The following is an entry in ClinVar:

NM_000020.3(ACVRL1):c.1231C>T (p.Arg411Trp)

Gene: ACVRL1 (activin A receptor like type 1; plus strand). Cytogenetic location: 12q13.13.
Variant type: single nucleotide variant.
Coding change: c.1231C>T on transcript NM_000020.3 (MANE Select); coding-DNA position 1231, C replaced by T.
Protein change: p.Arg411Trp; replaces arginine 411 with tryptophan.
Molecular consequence: missense variant.
Genome position (GRCh38, 1-based): chr12:51,916,218, C>T. VCF-style: chr12-51916218-C-T. GRCh37 (hg19) VCF-style: chr12-52310002-C-T.
Other names: p.R411W:CGG>TGG; NM_000020.3(ACVRL1):c.1231C>T; c.1231C>T, p.Arg411Trp (NM_001077401.2); short protein forms R411W.
Identifiers: ClinVar variation 8251 (VCV000008251.34), dbSNP rs121909287, ClinGen allele CA119402.

ClinVar aggregate classification (germline): Pathogenic/Likely pathogenic. Review status: criteria provided, multiple submitters, no conflicts (2 of 4 stars). 13 submissions from 12 submitters: Pathogenic (10); Likely pathogenic (1). 2 of the submissions do not count toward it. Last evaluated 2026-03-05.

Conditions:
ACVRL1-related disorder. Also called: ACVRL1-related condition; ACVRL1-related disorders.
Cardiovascular phenotype. Identifiers: MedGen CN230736.
Telangiectasia, hereditary hemorrhagic, type 2 (HHT2). Also called: ACVRL1-Related Hereditary Hemorrhagic Telangiectasia; Telangiectasia, hereditary hemorrhagic, type II. Identifiers: Orphanet 774, MedGen C1838163, MONDO:0010880, OMIM 600376. Disease mechanism: loss of function.
Pulmonary arterial hypertension related to hereditary hemorrhagic telangiectasia. Also called: PULMONARY ARTERIAL HYPERTENSION, HEREDITARY HEMORRHAGIC TELANGIECTASIA-RELATED. Identifiers: MedGen C1832529.

Allele frequency attached by ClinVar (database versions not stated): gnomAD exomes below 0.00001.

Submissions 1 to 9 of 13:

Broad Center for Mendelian Genomics, Broad Institute of MIT and Harvard
Classification: Pathogenic for Telangiectasia, hereditary hemorrhagic, type 2. Last evaluated: 2026-03-05. Review status: criteria provided, single submitter. Criteria: ACMG Guidelines, 2015. Collection method: research. Allele origin: germline. Inheritance: Autosomal dominant inheritance. Study: GREGoR Consortium.
Comment: The p.Arg411Trp variant in ACVRL1 has been reported in at least 4 unrelated individuals with hereditary hemorrhagic telangiectasia {HHT} and segregated with disease in 9 affected individuals from 4 families (Trembath 2001 PMID: 11484689; Kitayama 2021 PMID: 34872578). It has also been identified in 0.0002% (2/1179998} of European chromosomes by gnomAD {). This variant has also been reported in ClinVar {Variation ID 8251). Computational prediction tools and conservation analyses suggest that this variant may impact the protein. In vitro functional studies also support that this variant impacts protein function (Richard 2010 PMID: 20501893). Furthermore, other variants at the same position (p.Arg411Gln, p.Arg411Pro) have been reported in individuals with HHT, supporting that changes to this position are not tolerated. In summary, this variant meets criteria to be classified as pathogenic for autosomal dominant HHT. ACMG/AMP Criteria applied: PP1_Strong, PS4, PMS, PS3_Supporting, PP3, PM2_Supporting.

Labcorp Genetics (formerly Invitae), Labcorp
Classification: Pathogenic for Telangiectasia, hereditary hemorrhagic, type 2. Last evaluated: 2025-12-14. Review status: criteria provided, single submitter. Criteria: Invitae Variant Classification Sherloc (09022015). Collection method: clinical testing. Allele origin: germline.
Comment: This sequence change replaces arginine, which is basic and polar, with tryptophan, which is neutral and slightly polar, at codon 411 of the ACVRL1 protein (p.Arg411Trp). This variant is not present in population databases (gnomAD no frequency). This missense change has been observed in individuals with hemorrhagic telangiectasia (PMID: 11484689, 15024723, 15880681). It has also been observed to segregate with disease in related individuals. ClinVar contains an entry for this variant (Variation ID: 8251). Invitae Evidence Modeling of protein sequence and biophysical properties (such as structural, functional, and spatial information, amino acid conservation, physicochemical variation, residue mobility, and thermodynamic stability) indicates that this missense variant is expected to disrupt ACVRL1 protein function with a positive predictive value of 95%. Experimental studies have shown that this missense change affects ACVRL1 function (PMID: 20501893, 23124896, 26176610). This variant disrupts the p.Arg411 amino acid residue in ACVRL1. Other variant(s) that disrupt this residue have been determined to be pathogenic (PMID: 8640225, 14684682, 15024723, 20501893). This suggests that this residue is clinically significant, and that variants that disrupt this residue are likely to be disease-causing. For these reasons, this variant has been classified as Pathogenic.

Genetic Services Laboratory, University of Chicago
Classification: Pathogenic. Last evaluated: 2025-12-09. Review status: criteria provided, single submitter. Criteria: ACMG Guidelines, 2015. Collection method: clinical testing. Allele origin: germline.
Comment: The c.1231C>T variant: Results in an amino acid change, p.Arg411Trp. Affects a highly conserved amino acid residue located in a domain of the ACVRL1 protein that is known to be functional. Appears to be deleterious using several in-silico pathogenicity prediction tools. Has been previously described in several individuals with a clinical diagnosis of hereditary haemorrhagic telangiectasia (HHT) and/or pulmonary hypertension (PMID: 27316748, 15024723, 11484689, 12700602, 18285823, 15880681, 32573726). Has shown to impact ACVRL1 function (PMID: 20501893, 23124896, 26176610). Is reported in the gnomAD v4 database with a frequency of 0.00017% in the European subpopulation (dbSNP rs121909287). ClinVar contains an entry for this variant (Variation ID: 8251). Collectively, this evidence indicates that this variant is pathogenic.

Mayo Clinic Laboratories, Mayo Clinic
Classification: Pathogenic. Last evaluated: 2025-07-14. Review status: criteria provided, single submitter. Criteria: ACMG Guidelines, 2015. Collection method: clinical testing. Allele origin: germline. Observed: 3 variant alleles.
Comment: PP1_strong, PP3, PM2_supporting, PS3, PS4_moderate

MVZ Medizinische Genetik Mainz
Classification: Pathogenic for Telangiectasia, hereditary hemorrhagic, type 2. Last evaluated: 2024-11-29. Review status: criteria provided, single submitter. Criteria: UK Practice Guidelines For Variant Classification V4 01 2020. Collection method: clinical testing. Allele origin: germline. Inheritance: Autosomal dominant inheritance. Affected: yes. Observed: 1 variant allele.
Comment: ACMG Criteria: PS4,PM1,PM5,PP3_MOD,PM2_SUP,PP2

Blueprint Genetics
Classification: Pathogenic for ACVRL1-related disorders. Last evaluated: 2023-12-28. Review status: criteria provided, single submitter. Criteria: ACMG Guidelines, 2015. Collection method: clinical testing. Allele origin: germline. Affected: yes. Observed: 5 variant alleles.

Molecular Genetics, Royal Melbourne Hospital
Classification: Pathogenic for Telangiectasia, hereditary hemorrhagic, type 2. Last evaluated: 2023-03-30. Review status: criteria provided, single submitter. Criteria: ACMG Guidelines, 2015. Collection method: clinical testing. Allele origin: germline. Affected: yes.
Comment: This sequence change in ACVRL1 is predicted to replace arginine with tryptophan at codon 411 (p.(Arg411Trp)). The arginine residue is highly conserved (100 vertebrates, UCSC), and is located in the protein kinase domain. There is a large physicochemical difference between arginine and tryptophan. This variant is absent from gnomAD v2.1 and v3.1. This variant has been reported in multiple probands with a clinical diagnosis of hereditary haemorrhagic telangiectasia (HHT) and pulmonary hypertension, and segregates with HHT in multiple families (PMID: 11484689, 15024723). BMP9 ligand binding assays in cell lines showed defective signalling indicating that this variant impacts protein function (PMID: 20501893). Multiple lines of computational evidence predict a deleterious effect for the missense substitution (5/6 algorithms). Another missense variant c.1232G>A, p.Arg411Gln in the same codon has been classified as pathogenic for HHT (ClinVar ID: 8243). Based on the classification scheme RMH Modified ACMG Guidelines v1.4.0, this variant is classified as PATHOGENIC. Following criteria are met: PS4, PM5, PS3_Supporting, PM2_Supporting, PP1, PP3.

GeneDx
Classification: Pathogenic. Last evaluated: 2023-02-17. Review status: criteria provided, single submitter. Criteria: GeneDx Variant Classification Process June 2021. Collection method: clinical testing. Allele origin: germline. Affected: yes.
Comment: Identified in individuals from various ethnic backgrounds with HHT and/or PAH (Trembath et al., 2001; Abdalla et al., 2003; Lesca et al., 2004; Kuehl et al., 2005; Letteboer et al., 2005; Schulte et al., 2005; Piao et al., 2016; Han et al., 2020; Shovlin et al., 2020; Kitayama et al., 2021; Zhang et al., 2021); Not observed at significant frequency in large population cohorts (gnomAD); Published functional studies demonstrate that this variant results in defective BMP9 response and impaired ALK1 activity due to abnormal ALK1 trafficking (Ricard et al., 2010; Hume et al., 2013); In silico analysis supports that this missense variant has a deleterious effect on protein structure/function; This variant is associated with the following publications: (PMID: 15879500, 16542389, 25312062, 15024723, 26176610, 27316748, 15517393, 15880681, 15712270, 12114496, 12700602, 23124896, 28823282, 30578397, 32573726, 20501893, 29631995, 32300199, 32954380, 34966542, 32503579, 34872578, 11484689)

Ambry Genetics
Classification: Pathogenic for Cardiovascular phenotype. Last evaluated: 2021-04-14. Review status: criteria provided, single submitter. Criteria: Ambry Variant Classification Scheme 2023. Collection method: clinical testing. Allele origin: germline.
Comment: The p.R411W pathogenic mutation (also known as c.1231C>T), located in coding exon 7 of the ACVRL1 gene, results from a C to T substitution at nucleotide position 1231. The arginine at codon 411 is replaced by tryptophan, an amino acid with dissimilar properties. This mutation has been identified in multiple individuals with hereditary hemorrhagic telangiectasia (HHT) with segregation with disease in a few families. In addition, this mutation has also been reported in association with pulmonary arterial hypertension with or without HHT (Trembath RC et al. N. Engl. J. Med., 2001 Aug;345:325-34; Abdalla SA et al. Eur. J. Hum. Genet., 2003 Apr;11:279-87; Zhang GS et al. Chin. Med. J., 2004 Jun;117:808-12; Song J et al. Clin Sci (Lond). 2016 11;130(22):2043-2052; Zhu N et al. Circ Genom Precis Med. 2018 04;11(4):e001887). In vitro functional studies indicate that mutations at this codon 411 impair ALK1 activity (Ricard N et al. Blood, 2010 Sep;116:1604-12; Alaa El Din F et al. PLoS ONE, 2015 Jul;10:e0132111). Based on the supporting evidence, this alteration is interpreted as a disease-causing mutation.